The following is an entry in ClinVar:

ClinVar aggregate classification (germline): Uncertain significance (1 of 4 stars; one submission).

Conditions:
Sulfite oxidase deficiency due to molybdenum cofactor deficiency type A. Also called: Molybdenum cofactor deficiency, complementation group A; Molybdenum Cofactor Deficiency A. Identifiers: Orphanet 308386, Orphanet 833, MedGen C1854988, MONDO:0009643, OMIM 252150.

Submission:

Labcorp Genetics (formerly Invitae), Labcorp
Classification: Uncertain significance for Sulfite oxidase deficiency due to molybdenum cofactor deficiency type A. Last evaluated: 2022-08-16. Review status: criteria provided, single submitter. Criteria: Invitae Variant Classification Sherloc (09022015). Collection method: clinical testing. Allele origin: germline.
Comment: Algorithms developed to predict the effect of missense changes on protein structure and function are either unavailable or do not agree on the potential impact of this missense change (SIFT: "Not Available"; PolyPhen-2: "Probably Damaging"; Align-GVGD: "Not Available"). This variant has not been reported in the literature in individuals affected with MOCS1-related conditions. This variant is not present in population databases (gnomAD no frequency). This sequence change replaces glycine, which is neutral and non-polar, with arginine, which is basic and polar, at codon 631 of the MOCS1 protein (p.Gly631Arg). In summary, the available evidence is currently insufficient to determine the role of this variant in disease. Therefore, it has been classified as a Variant of Uncertain Significance.

NM_001358530.2(MOCS1):c.1891G>A (p.Gly631Arg)

Gene: MOCS1 (molybdenum cofactor synthesis 1; minus strand). Cytogenetic location: 6p21.2.
Variant type: single nucleotide variant.
Coding change: c.1891G>A on transcript NM_001358530.2 (MANE Select); coding-DNA position 1891, G replaced by A.
Protein change: p.Gly631Arg; replaces glycine 631 with arginine.
Molecular consequence: missense variant. On other transcripts: 3 prime UTR variant (4), non-coding transcript variant (1).
Genome position (GRCh38, 1-based): chr6:39,906,377, C>T on the plus strand (G>A on the coding strand, the complement: MOCS1 is on the minus strand). VCF-style: chr6-39906377-C-T. GRCh37 (hg19) VCF-style: chr6-39874153-C-T.
Other names: c.*748G>A (NM_001075098.4, NM_001358533.2, NM_001358534.2 and 1 more transcripts); c.1843G>A, p.Gly615Arg (NM_001358529.2); c.1630G>A, p.Gly544Arg (NM_001358531.2); short protein forms G615R, G544R, G631R.
Identifiers: ClinVar variation 2047512 (VCV002047512.4), dbSNP rs2482249496, ClinGen allele CA364038555.